The following is an entry in ClinVar:

ClinVar aggregate classification (germline): Pathogenic (1 of 4 stars; one submission).

Conditions:
Duchenne muscular dystrophy (DMD). Also called: Duchenne Muscular Dystrophy (DMD); MUSCULAR DYSTROPHY, PSEUDOHYPERTROPHIC PROGRESSIVE, DUCHENNE TYPE. Identifiers: Orphanet 98896, MedGen C0013264, MONDO:0010679, OMIM 310200.

Submission:

Labcorp Genetics (formerly Invitae), Labcorp
Classification: Pathogenic for Duchenne muscular dystrophy. Last evaluated: 2019-10-03. Review status: criteria provided, single submitter. Criteria: Invitae Variant Classification Sherloc (09022015). Collection method: clinical testing. Allele origin: germline.
Comment: This variant is an out-of-frame deletion of the genomic region encompassing exons 5-11 of the DMD gene. This is expected to create a premature translational stop signal and result in an absent or disrupted protein product. This variant has not been reported in the literature in individuals with DMD-related conditions. Loss-of-function variants in DMD are known to be pathogenic (PMID: 16770791, 25007885). For these reasons, this variant has been classified as Pathogenic.

NC_000023.11:g.(?_32644122)_(32823850_?)del

Gene: DMD (dystrophin; minus strand). Cytogenetic location: Xp21.1.
Variant type: Deletion.
Identifiers: ClinVar variation 831235 (VCV000831235.1).